The following is an entry in ClinVar:

NM_001034853.2(RPGR):c.1176G>C (p.Pro392=)

Gene: RPGR (retinitis pigmentosa GTPase regulator; minus strand). Cytogenetic location: Xp11.4.
Variant type: single nucleotide variant.
Coding change: c.1176G>C on transcript NM_001034853.2 (MANE Select); coding-DNA position 1176, G replaced by C.
Protein change: p.Pro392=; no amino-acid change (proline 392 retained).
Molecular consequence: synonymous variant. On other transcripts: non-coding transcript variant (6), intron variant (2).
Genome position (GRCh38, 1-based): chrX:38,299,025, C>G on the plus strand (G>C on the coding strand, the complement: RPGR is on the minus strand). VCF-style: chrX-38299025-C-G. GRCh37 (hg19) VCF-style: chrX-38158278-C-G.
Other names: c.1176G>C, p.Pro392= (NM_000328.3, NM_001367247.1); c.1173G>C, p.Pro391= (NM_001367245.1, NM_001367249.1, NM_001367250.1); c.1206G>C, p.Pro402= (NM_001367248.1); c.1060-1573G>C (NM_001367251.1, NM_001367246.1); c.1176G>C (NM_001034853.1).
Identifiers: ClinVar variation 695826 (VCV000695826.18), dbSNP rs149742786, ClinGen allele CA10385524.
Genomic context (GRCh38, chrX:38,299,025, plus strand): 5'-TCGCCGCATACGTGCTGATAGAGTCCTCTGCAGTACATTTCCTGAGGTTAAACTGCTATA[C>G]GGCAGAAAAGTCGCCACAGATAAGCAAGTATCATTTATTTCATCGAATTCAATTTCTTTT-3'
Protein context (NP_001030025.1, residues 382-402): DTCLSVATFL[Pro392=]YSSLTSGNVL

ClinVar aggregate classification (germline): Benign/Likely benign. Review status: criteria provided, multiple submitters, no conflicts (2 of 4 stars). 4 submissions from 4 submitters: Benign (2); Likely benign (1). 1 of the submissions does not count toward it. Last evaluated 2026-02-25.

Conditions:
RPGR-related disorder. Also called: RPGR-related condition.
Primary ciliary dyskinesia. Also called: Ciliary dyskinesia. Identifiers: Orphanet 244, MedGen C0008780, MONDO:0016575, HP:0012265.

Allele frequency attached by ClinVar (database versions not stated): gnomAD 0.00014; ESP Exome Variant Server 0.00047; TOPMed 0.00054; 1000 Genomes Project 30x 0.00104; 1000 Genomes Project 0.00132.
gnomAD v4.1: 991 of 1,209,784 alleles (0.082%); highest among the groups gnomAD compares: South Asian, 0.095%; 2 homozygotes.

Submissions (6):

Ambry Genetics
Classification: Benign for Primary ciliary dyskinesia. Last evaluated: 2026-02-25. Review status: criteria provided, single submitter. Criteria: Ambry Variant Classification Scheme 2023. Collection method: clinical testing. Allele origin: germline.

Labcorp Genetics (formerly Invitae), Labcorp
Classification: Benign for Primary ciliary dyskinesia. Last evaluated: 2026-02-01. Review status: criteria provided, single submitter. Criteria: Invitae Variant Classification Sherloc (09022015). Collection method: clinical testing. Allele origin: germline.

Blueprint Genetics
Classification: Likely benign. Last evaluated: 2024-09-10. Review status: criteria provided, single submitter. Criteria: ACMG Guidelines, 2015. Collection method: clinical testing. Allele origin: germline.

PreventionGenetics, part of Exact Sciences
Classification: Likely benign for RPGR-related condition. Last evaluated: 2021-09-24. Review status: no assertion criteria provided. Collection method: clinical testing. Allele origin: germline. Not counted in ClinVar's aggregate classification.
Comment: This variant is classified as likely benign based on ACMG/AMP sequence variant interpretation guidelines (Richards et al. 2015 PMID: 25741868, with internal and published modifications).

Dr. Peter K. Rogan Lab, Western University
No classification provided (evidence only). Condition: Thyroid cancer, nonmedullary, 1. Review status: no classification provided. Collection method: in vitro. Allele origin: not applicable. Functional consequence: retained intron. Not counted in ClinVar's aggregate classification.

Dr. Peter K. Rogan Lab, Western University
No classification provided (evidence only). Condition: Hepatocellular carcinoma. Review status: no classification provided. Collection method: in vitro. Allele origin: not applicable. Functional consequence: retained intron. Not counted in ClinVar's aggregate classification.